The following is an entry in ClinVar:

NM_001365536.1(SCN9A):c.*2540C>T

Genes: SCN1A-AS1 (SCN1A and SCN9A antisense RNA 1; plus strand), SCN9A (sodium voltage-gated channel alpha subunit 9; minus strand). Cytogenetic location: 2q24.3.
Variant type: single nucleotide variant.
Coding change: c.*2540C>T on transcript NM_001365536.1 (MANE Select); 2540 bases downstream of the stop codon, C replaced by T.
Molecular consequence: 3 prime UTR variant.
Genome position (GRCh38, 1-based): chr2:166,196,132, G>A on the plus strand (C>T on the coding strand, the complement: SCN9A is on the minus strand). VCF-style: chr2-166196132-G-A. GRCh37 (hg19) VCF-style: chr2-167052642-G-A.
Other names: c.*2540C>T (NM_002977.4).
Identifiers: ClinVar variation 331909 (VCV000331909.6), dbSNP rs58249489, ClinGen allele CA10611225.

ClinVar aggregate classification (germline): Benign. Review status: criteria provided, single submitter (1 of 4 stars). 3 submissions from 1 submitter: Benign (3). Last evaluated 2018-01-13.

Conditions:
Paroxysmal extreme pain disorder (PEXPD). Also called: PAIN, SUBMANDIBULAR, OCULAR, AND RECTAL, WITH FLUSHING; RECTAL PAIN, FAMILIAL; SCN9A Paroxysmal Extreme Pain Disorder (SCN9A-PEPD). Identifiers: Orphanet 46348, MedGen C1833661, MONDO:0008179, OMIM 167400.
Channelopathy-associated congenital insensitivity to pain, autosomal recessive. Also called: Insensitivity to pain, channelopathy-associated; ASYMBOLIA FOR PAIN; CONGENITAL ANALGESIA, AUTOSOMAL RECESSIVE. Identifiers: Orphanet 88642, Orphanet 970, MedGen C1855739, MONDO:0009459, OMIM 243000.
Primary erythromelalgia. Also called: SCN9A Erythromelalgia (SCN9A-EM); primary erythermalgia. Identifiers: Orphanet 306577, Orphanet 90026, MedGen C0014805, MONDO:0007571, OMIM 133020.

Allele frequency attached by ClinVar (database versions not stated): gnomAD 0.01445 and 0.01556; TOPMed 0.01581; 1000 Genomes Project 0.01897; 1000 Genomes Project 30x 0.02233.

Submissions (3):

Illumina Laboratory Services, Illumina
Classification: Benign for Primary erythromelalgia. Last evaluated: 2018-01-13. Review status: criteria provided, single submitter. Criteria: ICSL Variant Classification Criteria 13 December 2019. Collection method: clinical testing. Allele origin: germline.
Comment: This variant was observed in the ICSL laboratory as part of a predisposition screen in an ostensibly healthy population. It had not been previously curated by ICSL or reported in the Human Gene Mutation Database (HGMD: prior to June 1st, 2018), and was therefore a candidate for classification through an automated scoring system. Utilizing variant allele frequency, disease prevalence and penetrance estimates, and inheritance mode, an automated score was calculated to assess if this variant is too frequent to cause the disease. Based on the score and internal cut-off values, a variant classified as benign is not then subjected to further curation. The score for this variant resulted in a classification of benign for this disease.

Illumina Laboratory Services, Illumina
Classification: Benign for Paroxysmal extreme pain disorder. Last evaluated: 2018-01-13. Review status: criteria provided, single submitter. Criteria: ICSL Variant Classification Criteria 13 December 2019. Collection method: clinical testing. Allele origin: germline.
Comment: the same text as in the submission from Illumina Laboratory Services, Illumina above.

Illumina Laboratory Services, Illumina
Classification: Benign for Channelopathy-associated congenital insensitivity to pain, autosomal recessive. Last evaluated: 2018-01-13. Review status: criteria provided, single submitter. Criteria: ICSL Variant Classification Criteria 13 December 2019. Collection method: clinical testing. Allele origin: germline.
Comment: the same text as in the submission from Illumina Laboratory Services, Illumina above.